The following is an entry in ClinVar:

NM_005529.7(HSPG2):c.2686-2A>G

Gene: HSPG2 (heparan sulfate proteoglycan 2; minus strand). Cytogenetic location: 1p36.12.
Variant type: single nucleotide variant.
Coding change: c.2686-2A>G on transcript NM_005529.7 (MANE Select); the canonical splice acceptor site of the intron before coding-DNA position 2686, A replaced by G.
Molecular consequence: splice acceptor variant.
Genome position (GRCh38, 1-based): chr1:21,876,654, T>C on the plus strand (A>G on the coding strand, the complement: HSPG2 is on the minus strand). VCF-style: chr1-21876654-T-C. GRCh37 (hg19) VCF-style: chr1-22203147-T-C.
Other names: c.2689-2A>G (NM_001291860.2).
Identifiers: ClinVar variation 1484749 (VCV001484749.6), dbSNP rs2152749480, ClinGen allele CA338963516.

ClinVar aggregate classification (germline): Likely pathogenic (1 of 4 stars; one submission).

Submission:

Labcorp Genetics (formerly Invitae), Labcorp
Classification: Likely pathogenic. Last evaluated: 2021-08-19. Review status: criteria provided, single submitter. Criteria: Invitae Variant Classification Sherloc (09022015). Collection method: clinical testing. Allele origin: germline.
Comment: Algorithms developed to predict the effect of sequence changes on RNA splicing suggest that this variant may disrupt the consensus splice site. This variant has not been reported in the literature in individuals affected with HSPG2-related conditions. This variant is not present in population databases (ExAC no frequency). This sequence change affects an acceptor splice site in intron 21 of the HSPG2 gene. It is expected to disrupt RNA splicing. Variants that disrupt the donor or acceptor splice site typically lead to a loss of protein function (PMID: 16199547), and loss-of-function variants in HSPG2 are known to be pathogenic (PMID: 11279527, 16927315, 20542149, 23836246). In summary, the currently available evidence indicates that the variant is pathogenic, but additional data are needed to prove that conclusively. Therefore, this variant has been classified as Likely Pathogenic.

Literature cited by the submitters: PubMed 16199547; PubMed 11279527; PubMed 16927315; PubMed 20542149; PubMed 23836246.